The following is an entry in ClinVar:

ClinVar aggregate classification (germline): Likely benign. Review status: criteria provided, multiple submitters, no conflicts (2 of 4 stars). 2 submissions from 2 submitters: Likely benign (2). Last evaluated 2024-09-01.

Allele frequency attached by ClinVar (database versions not stated): 1000 Genomes Project 30x 0.00125; 1000 Genomes Project 0.00140; ExAC 0.00184; TOPMed 0.00193; gnomAD exomes 0.00207 and 0.00319; gnomAD 0.00233 and 0.00235; ESP Exome Variant Server 0.00315.
gnomAD v4.1: 4,947 of 1,601,464 alleles (0.31%); highest among the groups gnomAD compares: Non-Finnish European, 0.36%; 18 homozygotes.

Submissions (2):

CeGaT Center for Human Genetics Tuebingen
Classification: Likely benign. Last evaluated: 2024-09-01. Review status: criteria provided, single submitter. Criteria: CeGaT Center For Human Genetics Tuebingen Variant Classification Criteria Version 2. Collection method: clinical testing. Allele origin: germline. Affected: yes. Observed: 1 variant allele.
Comment: PDLIM5: BP4, BS2

Labcorp Genetics (formerly Invitae), Labcorp
Classification: Likely benign. Last evaluated: 2018-05-14. Review status: criteria provided, single submitter. Criteria: Invitae Variant Classification Sherloc (09022015). Collection method: clinical testing. Allele origin: germline.

NM_006457.5(PDLIM5):c.1670A>G (p.Tyr557Cys)

Gene: PDLIM5 (PDZ and LIM domain 5; plus strand). Cytogenetic location: 4q22.3.
Variant type: single nucleotide variant.
Coding change: c.1670A>G on transcript NM_006457.5 (MANE Select); coding-DNA position 1670, A replaced by G.
Protein change: p.Tyr557Cys; replaces tyrosine 557 with cysteine.
Molecular consequence: missense variant.
Genome position (GRCh38, 1-based): chr4:94,662,506, A>G. VCF-style: chr4-94662506-A-G. GRCh37 (hg19) VCF-style: chr4-95583657-A-G.
Other names: c.1343A>G, p.Tyr448Cys (NM_001011513.4); c.695A>G, p.Tyr232Cys (NM_001256425.2); c.1757A>G, p.Tyr586Cys (NM_001256426.2); c.1361A>G, p.Tyr454Cys (NM_001256427.2); c.1304A>G, p.Tyr435Cys (NM_001256428.2); short protein forms Y586C, Y435C, Y232C, Y448C, Y454C, Y557C.
Identifiers: ClinVar variation 789175 (VCV000789175.17), dbSNP rs114713699, ClinGen allele CA3014775.